The following is an entry in ClinVar:

ClinVar aggregate classification (germline): Uncertain significance. Review status: criteria provided, multiple submitters, no conflicts (2 of 4 stars). 3 submissions from 3 submitters: Uncertain significance (3). Last evaluated 2024-04-16.

Conditions:
Familial thoracic aortic aneurysm and aortic dissection (TAAD). Also called: Thoracic aortic aneurysms and dissections. Identifiers: Orphanet 91387, MedGen C4707243, MONDO:0019625.
Marfan syndrome (MFS). Also called: FBN1-Related Marfan Syndrome; Marfan syndrome type 1; Marfan's syndrome; Marfan syndrome, classic; MARFAN SYNDROME, TYPE I. Identifiers: Orphanet 284963, Orphanet 558, MedGen C0024796, MONDO:0007947, OMIM 154700.

Allele frequency attached by ClinVar (database versions not stated): gnomAD 0.00001.
gnomAD v4.1: 1 of 1,614,072 alleles (0.000062%); highest among the groups gnomAD compares: Non-Finnish European, 0.000085%; no homozygotes.

Submissions (3):

All of Us Research Program, National Institutes of Health
Classification: Uncertain significance for Marfan syndrome. Last evaluated: 2024-04-16. Review status: criteria provided, single submitter. Criteria: ACMG Guidelines, 2015. Collection method: clinical testing. Allele origin: germline. Inheritance: Autosomal dominant inheritance. Observed: 1 variant allele, 1 heterozygote.
Comment: This missense variant replaces aspartic acid with glutamic acid at codon 1834 of the FBN1 protein. Computational prediction suggests that this variant may not impact protein structure and function (internally defined REVEL score threshold <= 0.5, PMID: 27666373). To our knowledge, functional studies have not been reported for this variant. This variant has not been reported in individuals affected with FBN1-related disorders in the literature. This variant has not been identified in the general population by the Genome Aggregation Database (gnomAD). The available evidence is insufficient to determine the role of this variant in disease conclusively. Therefore, this variant is classified as a Variant of Uncertain Significance.

This study involves interpretation of variants in research participants for the purpose of population health screening. Participant phenotype was not available at the time of variant classification. Additional details can be found in publication PMID: 35346344, PMCID: PMC8962531

Color Diagnostics, LLC DBA Color Health
Classification: Uncertain significance for Familial thoracic aortic aneurysm and aortic dissection. Last evaluated: 2023-07-31. Review status: criteria provided, single submitter. Criteria: ACMG Guidelines, 2015. Collection method: clinical testing. Allele origin: germline.
Comment: This missense variant replaces aspartic acid with glutamic acid at codon 1834 of the FBN1 protein. Computational prediction suggests that this variant may not impact protein structure and function (internally defined REVEL score threshold <= 0.5, PMID: 27666373). To our knowledge, functional studies have not been reported for this variant. This variant has not been reported in individuals affected with FBN1-related disorders in the literature. This variant has not been identified in the general population by the Genome Aggregation Database (gnomAD). The available evidence is insufficient to determine the role of this variant in disease conclusively. Therefore, this variant is classified as a Variant of Uncertain Significance.

CHEO Genetics Diagnostic Laboratory, Children's Hospital of Eastern Ontario
Classification: Uncertain significance for Familial thoracic aortic aneurysm and aortic dissection. Last evaluated: 2018-08-23. Review status: criteria provided, single submitter. Criteria: ACMG Guidelines, 2015. Collection method: clinical testing. Allele origin: germline.

NM_000138.5(FBN1):c.5502C>G (p.Asp1834Glu)

Gene: FBN1 (fibrillin 1; minus strand). Cytogenetic location: 15q21.1.
Variant type: single nucleotide variant.
Coding change: c.5502C>G on transcript NM_000138.5 (MANE Select); coding-DNA position 5502, C replaced by G.
Protein change: p.Asp1834Glu; replaces aspartic acid 1834 with glutamic acid.
Molecular consequence: missense variant.
Genome position (GRCh38, 1-based): chr15:48,452,605, G>C on the plus strand (C>G on the coding strand, the complement: FBN1 is on the minus strand). VCF-style: chr15-48452605-G-C. GRCh37 (hg19) VCF-style: chr15-48744802-G-C.
Other names: short protein forms D1834E.
Identifiers: ClinVar variation 626593 (VCV000626593.6), dbSNP rs1566900494, ClinGen allele CA392344119.